The following is an entry in ClinVar:

NM_001041.4(SI):c.4784C>A (p.Thr1595Lys)

Gene: SI (sucrase-isomaltase; minus strand). Cytogenetic location: 3q26.1.
Variant type: single nucleotide variant.
Coding change: c.4784C>A on transcript NM_001041.4 (MANE Select); coding-DNA position 4784, C replaced by A.
Protein change: p.Thr1595Lys; replaces threonine 1595 with lysine.
Molecular consequence: missense variant.
Genome position (GRCh38, 1-based): chr3:164,994,314, G>T on the plus strand (C>A on the coding strand, the complement: SI is on the minus strand). VCF-style: chr3-164994314-G-T. GRCh37 (hg19) VCF-style: chr3-164712102-G-T.
Other names: short protein forms T1595K.
Identifiers: ClinVar variation 5000558 (VCV005000558.1).

ClinVar aggregate classification (germline): Uncertain significance (1 of 4 stars; one submission).

Conditions:
SI-related disorder. Also called: SI-related condition.

gnomAD v4.1: 1 of 1,611,142 alleles (0.000062%); highest among the groups gnomAD compares: Admixed American, 0.0017%; no homozygotes.

Submission:

PreventionGenetics, part of Exact Sciences
Classification: Uncertain significance for SI-related condition. Last evaluated: 2024-10-18. Review status: criteria provided, single submitter. Criteria: ACMG Guidelines, 2015. Collection method: clinical testing. Allele origin: germline.
Comment: The SI c.4784C>A variant is predicted to result in the amino acid substitution p.Thr1595Lys. To our knowledge, this variant has not been reported in the literature. This variant is reported in 0.0029% of alleles in individuals of Latino descent in gnomAD. At this time, the clinical significance of this variant is uncertain due to the absence of conclusive functional and genetic evidence.